The following is an entry in ClinVar:

ClinVar aggregate classification (germline): Uncertain significance (1 of 4 stars; one submission).

Conditions:
Glycogen storage disease IXd (GSD9D). Also called: GSD IXd; Muscle Phosphorylase Kinase Deficiency. Identifiers: Orphanet 715, MedGen C1845151, MONDO:0010362, OMIM 300559.

Submission:

Labcorp Genetics (formerly Invitae), Labcorp
Classification: Uncertain significance for Glycogen storage disease IXd. Last evaluated: 2018-08-19. Review status: criteria provided, single submitter. Criteria: Invitae Variant Classification Sherloc (09022015). Collection method: clinical testing. Allele origin: germline.
Comment: This sequence change replaces methionine with isoleucine at codon 905 of the PHKA1 protein (p.Met905Ile). The methionine residue is moderately conserved and there is a small physicochemical difference between methionine and isoleucine. This variant is not present in population databases (ExAC no frequency). This variant has not been reported in the literature in individuals with PHKA1-related disease. Algorithms developed to predict the effect of missense changes on protein structure and function output the following: SIFT: "Tolerated"; PolyPhen-2: "Benign"; Align-GVGD: "Class C0". The isoleucine amino acid residue is found in multiple mammalian species, suggesting that this missense change does not adversely affect protein function. These predictions have not been confirmed by published functional studies and their clinical significance is uncertain. In summary, the available evidence is currently insufficient to determine the role of this variant in disease. Therefore, it has been classified as a Variant of Uncertain Significance.

NM_002637.4(PHKA1):c.2715G>A (p.Met905Ile)

Gene: PHKA1 (phosphorylase kinase regulatory subunit alpha 1; minus strand). Cytogenetic location: Xq13.1.
Variant type: single nucleotide variant.
Coding change: c.2715G>A on transcript NM_002637.4 (MANE Select); coding-DNA position 2715, G replaced by A.
Protein change: p.Met905Ile; replaces methionine 905 with isoleucine.
Molecular consequence: missense variant.
Genome position (GRCh38, 1-based): chrX:72,605,371, C>T on the plus strand (G>A on the coding strand, the complement: PHKA1 is on the minus strand). VCF-style: chrX-72605371-C-T. GRCh37 (hg19) VCF-style: chrX-71825221-C-T.
Other names: c.2715G>A, p.Met905Ile (NM_001122670.2); c.2538G>A, p.Met846Ile (NM_001172436.2); short protein forms M846I, M905I.
Identifiers: ClinVar variation 661959 (VCV000661959.9), dbSNP rs1603254167, ClinGen allele CA413589061.
Genomic context (GRCh38, chrX:72,605,371, plus strand): 5'-TTGTATGATCAGACCAATTCGAAGTCGAAACATTTCAGCAAAGAGGCCAGGCTGGGTTCG[C>T]ATATACATGGCTAGATATACCATTATTTCCTGCACACAGAGTAGATATAGACAAAAATAA-3'
Protein context (NP_002628.2, residues 895-915): QEIMVYLAMY[Met905Ile]RTQPGLFAEM